The following is an entry in ClinVar:

ClinVar aggregate classification (germline): Uncertain significance (0 of 4 stars; one submission).

Submission:

Genetic Services Laboratory, University of Chicago
Classification: Uncertain significance. Last evaluated: 2022-07-18. Review status: no assertion criteria provided. Collection method: clinical testing. Allele origin: germline. Affected: no.
Comment: DNA sequence analysis of the UNC13D gene demonstrated a sequence change, c.891C>G, in exon 11 that results in an amino acid change, p.Ser297Arg. This sequence change does not appear to have been previously described in individuals with UNC13D-related disorders and has also not been described in population databases such as ExAC and gnomAD. The p.Ser297Arg change affects a moderately conserved amino acid residue located in a domain of the UNC13D protein that is not known to be functional. In-silico pathogenicity prediction tools (SIFT, PolyPhen2, Align GVGD, REVEL) provide contradictory results for the p.Ser297Arg substitution. Due to insufficient evidences and the lack of functional studies, the clinical significance of the p.Ser297Arg change remains unknown at this time.

NM_199242.3(UNC13D):c.891C>G (p.Ser297Arg)

Gene: UNC13D (unc-13 homolog D; minus strand). Cytogenetic location: 17q25.1.
Variant type: single nucleotide variant.
Coding change: c.891C>G on transcript NM_199242.3 (MANE Select); coding-DNA position 891, C replaced by G.
Protein change: p.Ser297Arg; replaces serine 297 with arginine.
Molecular consequence: missense variant.
Genome position (GRCh38, 1-based): chr17:75,840,078, G>C on the plus strand (C>G on the coding strand, the complement: UNC13D is on the minus strand). VCF-style: chr17-75840078-G-C. GRCh37 (hg19) VCF-style: chr17-73836159-G-C.
Other names: short protein forms S297R.
Identifiers: ClinVar variation 2443294 (VCV002443294.2), dbSNP rs2545985082, ClinGen allele CA401107835.